The following is an entry in ClinVar:

ClinVar aggregate classification (germline): Likely pathogenic. Review status: criteria provided, multiple submitters, no conflicts (2 of 4 stars). 2 submissions from 2 submitters: Likely pathogenic (2). Last evaluated 2025-03-04.

Conditions:
Combined immunodeficiency due to LRBA deficiency. Also called: Common variable immunodeficiency 8, with autoimmunity. Identifiers: Orphanet 445018, MedGen C3553512, MONDO:0013863, OMIM 614700.

Submissions (2):

Center for Genomic Medicine, Rigshospitalet, Copenhagen University Hospital
Classification: Likely pathogenic. Last evaluated: 2025-03-04. Review status: criteria provided, single submitter. Criteria: ACMG Guidelines, 2015. Collection method: clinical testing. Allele origin: germline.

Labcorp Genetics (formerly Invitae), Labcorp
Classification: Likely pathogenic for Combined immunodeficiency due to LRBA deficiency. Last evaluated: 2019-12-03. Review status: criteria provided, single submitter. Criteria: Invitae Variant Classification Sherloc (09022015). Collection method: clinical testing. Allele origin: germline.
Comment: In summary, the currently available evidence indicates that the variant is pathogenic, but additional data are needed to prove that conclusively. Therefore, this variant has been classified as Likely Pathogenic. Donor and acceptor splice site variants typically lead to a loss of protein function (PMID: 16199547), and loss-of-function variants in LRBA are known to be pathogenic (PMID: 26206937, 26768763). Algorithms developed to predict the effect of sequence changes on RNA splicing suggest that this variant may disrupt the consensus splice site, but this prediction has not been confirmed by published transcriptional studies. This variant has not been reported in the literature in individuals with LRBA-related conditions. This variant is not present in population databases (ExAC no frequency). This sequence change affects an acceptor splice site in intron 33 of the LRBA gene. It is expected to disrupt RNA splicing and likely results in an absent or disrupted protein product.

Literature cited by the submitters: PubMed 16199547 (cited by Labcorp Genetics (formerly Invitae), Labcorp); PubMed 26206937 (cited by Labcorp Genetics (formerly Invitae), Labcorp); PubMed 26768763 (cited by Labcorp Genetics (formerly Invitae), Labcorp).

NM_001364905.1(LRBA):c.5519-1G>A

Gene: LRBA (LPS responsive beige-like anchor protein; minus strand). Cytogenetic location: 4q31.3.
Variant type: single nucleotide variant.
Coding change: c.5519-1G>A on transcript NM_001364905.1 (MANE Select); the canonical splice acceptor site of the intron before coding-DNA position 5519, G replaced by A.
Molecular consequence: splice acceptor variant.
Genome position (GRCh38, 1-based): chr4:150,798,143, C>T on the plus strand (G>A on the coding strand, the complement: LRBA is on the minus strand). VCF-style: chr4-150798143-C-T. GRCh37 (hg19) VCF-style: chr4-151719295-C-T.
Other names: c.5519-1G>A (NM_001367550.1, NM_006726.5, NM_001199282.3 and 2 more transcripts).
Identifiers: ClinVar variation 859600 (VCV000859600.10), dbSNP rs1302362911, ClinGen allele CA358609550.
Genomic context (GRCh38, chr4:150,798,143, plus strand): 5'-GAGAACACAGTAGCATAACCAATTCCACAACTGAACTACTCGACTTCATGCAAACCAGAC[C>T]TATTTTAAAGAGAATTTTAAAAAAGAAGTTATAAAGAAAACAAATGAGGATTTGTTACAA-3'